The following is an entry in ClinVar:

ClinVar aggregate classification (germline): Uncertain significance (1 of 4 stars; one submission).

Submission:

GeneDx
Classification: Uncertain significance. Last evaluated: 2019-10-29. Review status: criteria provided, single submitter. Criteria: GeneDx Variant Classification Process June 2021. Collection method: clinical testing. Allele origin: germline. Affected: yes.
Comment: Not observed in large population cohorts (Lek et al., 2016); In silico analysis, which includes protein predictors and evolutionary conservation, supports that this variant does not alter protein structure/function; Has not been previously published as pathogenic or benign to our knowledge

NM_052867.4(NALCN):c.3757G>A (p.Val1253Ile)

Gene: NALCN (sodium leak channel, non-selective; minus strand). Cytogenetic location: 13q32.3.
Variant type: single nucleotide variant.
Coding change: c.3757G>A on transcript NM_052867.4 (MANE Select); coding-DNA position 3757, G replaced by A.
Protein change: p.Val1253Ile; replaces valine 1253 with isoleucine.
Molecular consequence: missense variant.
Genome position (GRCh38, 1-based): chr13:101,082,817, C>T on the plus strand (G>A on the coding strand, the complement: NALCN is on the minus strand). VCF-style: chr13-101082817-C-T. GRCh37 (hg19) VCF-style: chr13-101735168-C-T.
Other names: c.3844G>A, p.Val1282Ile (NM_001350748.2); c.3757G>A, p.Val1253Ile (NM_001350749.2); c.3670G>A, p.Val1224Ile (NM_001350750.2, NM_001350751.2); short protein forms V1224I, V1253I, V1282I.
Identifiers: ClinVar variation 1309732 (VCV001309732.2), dbSNP rs2139513996, ClinGen allele CA388650982.
Genomic context (GRCh38, chr13:101,082,817, plus strand): 5'-ACTTTAAAACTGTGCACAGATTCCCCCAGAGCTAGCTGACTCATTACAGTACCTCCAGAA[C>T]AAAGATGAAGGTGAAAACAACTGACATTGTTGCCAAAGGTACGGTCACCGGGTCCTCGAC-3'
Protein context (NP_443099.1, residues 1243-1263): TMSVVFTFIF[Val1253Ile]LEVTMKIIAM